The following is an entry in ClinVar:

ClinVar aggregate classification (germline): Uncertain significance (1 of 4 stars; one submission).

Conditions:
Tuberous sclerosis 1 (TSC1). Identifiers: Orphanet 805, MedGen C1854465, MONDO:0008612, OMIM 191100.

Submission:

Labcorp Genetics (formerly Invitae), Labcorp
Classification: Uncertain significance for Tuberous sclerosis 1. Last evaluated: 2023-11-24. Review status: criteria provided, single submitter. Criteria: Invitae Variant Classification Sherloc (09022015). Collection method: clinical testing. Allele origin: germline.
Comment: This sequence change replaces alanine, which is neutral and non-polar, with valine, which is neutral and non-polar, at codon 713 of the TSC1 protein (p.Ala713Val). This variant is not present in population databases (gnomAD no frequency). This variant has not been reported in the literature in individuals affected with TSC1-related conditions. ClinVar contains an entry for this variant (Variation ID: 846094). Advanced modeling of protein sequence and biophysical properties (such as structural, functional, and spatial information, amino acid conservation, physicochemical variation, residue mobility, and thermodynamic stability) performed at Invitae indicates that this missense variant is not expected to disrupt TSC1 protein function with a negative predictive value of 95%. In summary, the available evidence is currently insufficient to determine the role of this variant in disease. Therefore, it has been classified as a Variant of Uncertain Significance.

NM_000368.5(TSC1):c.2138C>T (p.Ala713Val)

Gene: TSC1 (TSC complex subunit 1; minus strand). Cytogenetic location: 9q34.13.
Variant type: single nucleotide variant.
Coding change: c.2138C>T on transcript NM_000368.5 (MANE Select); coding-DNA position 2138, C replaced by T.
Protein change: p.Ala713Val; replaces alanine 713 with valine.
Molecular consequence: missense variant.
Genome position (GRCh38, 1-based): chr9:132,903,721, G>A on the plus strand (C>T on the coding strand, the complement: TSC1 is on the minus strand). VCF-style: chr9-132903721-G-A. GRCh37 (hg19) VCF-style: chr9-135779108-G-A.
Other names: c.2135C>T, p.Ala712Val (NM_001162426.2); c.1985C>T, p.Ala662Val (NM_001162427.2); c.1775C>T, p.Ala592Val (NM_001362177.2); short protein forms A592V, A662V, A712V, A713V.
Identifiers: ClinVar variation 846094 (VCV000846094.9), dbSNP rs1286421874, ClinGen allele CA375360929.